The following is an entry in ClinVar:

ClinVar aggregate classification (germline): Uncertain significance (1 of 4 stars; one submission).

Conditions:
Emery-Dreifuss muscular dystrophy 5, autosomal dominant (EDMD5). Also called: EMERY-DREIFUSS MUSCULAR DYSTROPHY 5. Identifiers: Orphanet 261, MedGen C2751805, MONDO:0013072, OMIM 612999.

Allele frequency attached by ClinVar (database versions not stated): gnomAD exomes below 0.00001.
gnomAD v4.1: 1 of 1,613,578 alleles (0.000062%); highest among the groups gnomAD compares: Admixed American, 0.0017%; no homozygotes.

Submission:

Labcorp Genetics (formerly Invitae), Labcorp
Classification: Uncertain significance for Emery-Dreifuss muscular dystrophy 5, autosomal dominant. Last evaluated: 2018-08-16. Review status: criteria provided, single submitter. Criteria: Invitae Variant Classification Sherloc (09022015). Collection method: clinical testing. Allele origin: germline.
Comment: In summary, the available evidence is currently insufficient to determine the role of this variant in disease. Therefore, it has been classified as a Variant of Uncertain Significance. The current clinical and genetic evidence is not sufficient to establish whether loss-of-function variants in SYNE2 cause disease. This variant has not been reported in the literature in individuals with SYNE2-related disease. This variant is not present in population databases (ExAC no frequency). This sequence change affects an acceptor splice site in intron 89 of the SYNE2 gene. It is expected to disrupt RNA splicing and likely results in an absent or disrupted protein product.

NM_182914.3(SYNE2):c.16480-1G>A

Gene: SYNE2 (spectrin repeat containing nuclear envelope protein 2; plus strand). Cytogenetic location: 14q23.2.
Variant type: single nucleotide variant.
Coding change: c.16480-1G>A on transcript NM_182914.3 (MANE Select); the canonical splice acceptor site of the intron before coding-DNA position 16480, G replaced by A.
Molecular consequence: splice acceptor variant.
Genome position (GRCh38, 1-based): chr14:64,165,284, G>A. VCF-style: chr14-64165284-G-A. GRCh37 (hg19) VCF-style: chr14-64632002-G-A.
Other names: c.16480-1G>A (NM_015180.6).
Identifiers: ClinVar variation 657925 (VCV000657925.7), dbSNP rs1595931919, ClinGen allele CA389962207.